The following is an entry in ClinVar:

ClinVar aggregate classification (germline): Uncertain significance. Review status: criteria provided, multiple submitters, no conflicts (2 of 4 stars). 6 submissions from 6 submitters: Uncertain significance (6). Last evaluated 2025-06-04.

Conditions:
Hereditary nonpolyposis colorectal neoplasms. Identifiers: MedGen C0009405, MeSH D003123.
Hereditary cancer-predisposing syndrome. Also called: Hereditary Cancer Syndrome; Tumor predisposition; Hereditary neoplastic syndrome; Neoplastic Syndromes, Hereditary. Identifiers: Orphanet 140162, MedGen C0027672, MeSH D009386, MONDO:0015356.
Lynch syndrome 5 (LYNCH5). Also called: Hereditary non-polyposis colorectal cancer, type 5; Colorectal cancer, hereditary nonpolyposis, type 5. Identifiers: Orphanet 144, MedGen C1833477, MONDO:0013710, OMIM 614350. Disease mechanism: loss of function.
Lynch syndrome. Identifiers: Orphanet 144, MedGen C4552100, MONDO:0005835. Disease mechanism: loss of function.
Endometrial carcinoma. Also called: Endometrial carcinoma, somatic. Identifiers: MedGen C0476089, MONDO:0002447, OMIM 608089, HP:0012114.
Mismatch repair cancer syndrome 3. Identifiers: MedGen C5436807, MONDO:0030841, OMIM 619097.

Submissions (6):

Labcorp Genetics (formerly Invitae), Labcorp
Classification: Uncertain significance for Hereditary nonpolyposis colorectal neoplasms. Last evaluated: 2025-06-04. Review status: criteria provided, single submitter. Criteria: Invitae Variant Classification Sherloc (09022015). Collection method: clinical testing. Allele origin: germline.
Comment: This sequence change replaces arginine, which is basic and polar, with glycine, which is neutral and non-polar, at codon 1068 of the MSH6 protein (p.Arg1068Gly). This variant is not present in population databases (gnomAD no frequency). This missense change has been observed in individual(s) with pancreatic cancer (PMID: 36896836). ClinVar contains an entry for this variant (Variation ID: 1054381). Invitae Evidence Modeling of protein sequence and biophysical properties (such as structural, functional, and spatial information, amino acid conservation, physicochemical variation, residue mobility, and thermodynamic stability) indicates that this missense variant is not expected to disrupt MSH6 protein function with a negative predictive value of 95%. In summary, the available evidence is currently insufficient to determine the role of this variant in disease. Therefore, it has been classified as a Variant of Uncertain Significance.

Molecular Pathology, Peter Maccallum Cancer Centre
Classification: Uncertain significance for Lynch syndrome 5. Last evaluated: 2024-06-11. Review status: criteria provided, single submitter. Criteria: ACMG Guidelines, 2015. Collection method: clinical testing. Allele origin: germline. Inheritance: Autosomal dominant inheritance.

Baylor Genetics
Classification: Uncertain significance for Endometrial carcinoma. Last evaluated: 2024-03-25. Review status: criteria provided, single submitter. Criteria: ACMG Guidelines, 2015. Collection method: clinical testing. Allele origin: unknown.

Fulgent Genetics
Classification: Uncertain significance for Endometrial carcinoma; Lynch syndrome 5; Mismatch repair cancer syndrome 3. Last evaluated: 2024-02-15. Review status: criteria provided, single submitter. Criteria: ACMG Guidelines, 2015. Collection method: clinical testing. Allele origin: germline.

Ambry Genetics
Classification: Uncertain significance for Hereditary cancer-predisposing syndrome. Last evaluated: 2023-06-15. Review status: criteria provided, single submitter. Criteria: Ambry Variant Classification Scheme 2023. Collection method: clinical testing. Allele origin: germline.
Comment: The p.R1068G variant (also known as c.3202C>G), located in coding exon 5 of the MSH6 gene, results from a C to G substitution at nucleotide position 3202. The arginine at codon 1068 is replaced by glycine, an amino acid with dissimilar properties. This amino acid position is conserved. In addition, the in silico prediction for this alteration is inconclusive. Since supporting evidence is limited at this time, the clinical significance of this alteration remains unclear.

All of Us Research Program, National Institutes of Health
Classification: Uncertain significance for Lynch syndrome. Last evaluated: 2023-05-08. Review status: criteria provided, single submitter. Criteria: ACMG Guidelines, 2015. Collection method: clinical testing. Allele origin: germline. Inheritance: Autosomal dominant inheritance. Observed: 1 variant allele, 1 heterozygote.
Comment: This study involves interpretation of variants in research participants for the purpose of population health screening. Participant phenotype was not available at the time of variant classification. Additional details can be found in publication PMID: 35346344, PMCID: PMC8962531

Literature cited by the submitters: PubMed 36896836 (cited by Labcorp Genetics (formerly Invitae), Labcorp).

NM_000179.3(MSH6):c.3202C>G (p.Arg1068Gly)

Gene: MSH6 (mutS homolog 6; plus strand). Cytogenetic location: 2p16.3.
Variant type: single nucleotide variant.
Coding change: c.3202C>G on transcript NM_000179.3 (MANE Select); coding-DNA position 3202, C replaced by G.
Protein change: p.Arg1068Gly; replaces arginine 1068 with glycine.
Molecular consequence: missense variant.
Genome position (GRCh38, 1-based): chr2:47,803,449, C>G. VCF-style: chr2-47803449-C-G. GRCh37 (hg19) VCF-style: chr2-48030588-C-G.
Other names: c.3202C>G (NM_000179.2); c.2812C>G, p.Arg938Gly (NM_001281492.2); c.2296C>G, p.Arg766Gly (NM_001281493.2, NM_001281494.2); short protein forms R1068G, R766G, R938G.
Identifiers: ClinVar variation 1054381 (VCV001054381.15), dbSNP rs63749843, ClinGen allele CA46715775.